The following is an entry in ClinVar:

ClinVar aggregate classification (germline): Pathogenic. Review status: criteria provided, multiple submitters, no conflicts (2 of 4 stars). 7 submissions from 7 submitters: Pathogenic (6). 1 of the submissions does not count toward it. Last evaluated 2026-01-31.

Conditions:
Paragangliomas with sensorineural hearing loss. Identifiers: MedGen C1868633.
Pheochromocytoma. Also called: MAX-Related Hereditary Paraganglioma-Pheochromocytoma Syndrome. Identifiers: Orphanet 29072, MedGen C0031511, MONDO:0008233, OMIM 171300, HP:0002666.
Carney-Stratakis syndrome. Also called: PARAGANGLIOMA AND GASTROINTESTINAL STROMAL TUMOR. Identifiers: Orphanet 97286, MedGen C1847319, MONDO:0011740, OMIM 606864.
Cowden syndrome 3 (CWS3). Identifiers: Orphanet 201, MedGen CN166604, MONDO:0014045.
Hereditary cancer-predisposing syndrome. Also called: Neoplastic Syndromes, Hereditary; Tumor predisposition; Hereditary neoplastic syndrome; Hereditary Cancer Syndrome. Identifiers: Orphanet 140162, MedGen C0027672, MeSH D009386, MONDO:0015356.
Hereditary pheochromocytoma and paraganglioma. Also called: Hereditary Paraganglioma-Pheochromocytoma Syndromes; Hereditary paragangliomas and pheochromocytomas; Hereditary pheochromocytoma-paraganglioma. Identifiers: Orphanet 29072, MedGen C4274332, MONDO:0017366.
Pheochromocytoma/paraganglioma syndrome 1. Also called: SDHD-Related Hereditary Paraganglioma-Pheochromocytoma Syndrome; PARAGANGLIOMATA; PARAGANGLIOMAS, FAMILIAL NONCHROMAFFIN, 1; PGL 1; Paragangliomas familial 1; Paragangliomas 1. Identifiers: Orphanet 29072, MedGen C3494181, MONDO:0008192, OMIM 168000.

Allele frequency attached by ClinVar (database versions not stated): gnomAD exomes below 0.00001.
gnomAD v4.1: 1 of 1,611,878 alleles (0.000062%); highest among the groups gnomAD compares: Non-Finnish European, 0.000085%; no homozygotes.

Submissions (7):

Labcorp Genetics (formerly Invitae), Labcorp
Classification: Pathogenic for Carney-Stratakis syndrome; Paragangliomas with sensorineural hearing loss; Pheochromocytoma; Cowden syndrome 3. Last evaluated: 2026-01-31. Review status: criteria provided, single submitter. Criteria: Invitae Variant Classification Sherloc (09022015). Collection method: clinical testing. Allele origin: germline.
Comment: This sequence change creates a premature translational stop signal (p.Arg22*) in the SDHD gene. It is expected to result in an absent or disrupted protein product. Loss-of-function variants in SDHD are known to be pathogenic (PMID: 19454582, 19802898). This variant is not present in population databases (gnomAD no frequency). This premature translational stop signal has been observed in individual(s) with paraganglioma and/or pheochromocytoma (PMID: 11391798, 11605159, 16317055, 19258401, 21348866, 22241717, 22517554). It has also been observed to segregate with disease in related individuals. ClinVar contains an entry for this variant (Variation ID: 6903). RNA analysis performed to evaluate the impact of this premature translational stop signal on mRNA splicing indicates it does not significantly alter splicing (internal data). For these reasons, this variant has been classified as Pathogenic.

All of Us Research Program, National Institutes of Health
Classification: Pathogenic for Hereditary pheochromocytoma and paraganglioma. Last evaluated: 2024-02-07. Review status: criteria provided, single submitter. Criteria: ACMG Guidelines, 2015. Collection method: clinical testing. Allele origin: germline. Inheritance: Autosomal dominant inheritance. Observed: 1 variant allele, 1 heterozygote.
Comment: The c.64C>T (p.Arg22*) variant in the exon 2 of SDHD gene creates a premature termination codon that is predicted to lead to an absent or truncated protein product. This variant has been identified in many individuals with paragangliomas (PMID: 11391798, 11605159, 16317055, 21348866, 22241717, 30050099, 32035780), and has been shown to segregate with disease in multiple family members (PMID 11605159). Loss-of-function variants in SDHD gene are known to be pathogenic (PMID: 10657297, 12111639, 11343322). This variant was found to be absent in the general population database (gnomAD). Therefore, the c.64C>T (p.Arg22*) variant in SDHD gene is classified as pathogenic.

This study involves interpretation of variants in research participants for the purpose of population health screening. Participant phenotype was not available at the time of variant classification. Additional details can be found in publication PMID: 35346344, PMCID: PMC8962531

Ambry Genetics
Classification: Pathogenic for Hereditary cancer-predisposing syndrome. Last evaluated: 2023-09-28. Review status: criteria provided, single submitter. Criteria: Ambry Variant Classification Scheme 2023. Collection method: clinical testing. Allele origin: germline.
Comment: The p.R22* pathogenic mutation (also known as c.64C>T), located in coding exon 2 of the SDHD gene, results from a C to T substitution at nucleotide position 64. This changes the amino acid from an arginine to a stop codon within coding exon 2. This mutation has been reported in numerous individuals with a personal and/or family history of paraganglioma and/or pheochromocytoma (PGL-PCC) (Amar L et al. J. Clin. Oncol. 2005 Dec; 23(34):8812-8; Benn DE et al. J. Clin. Endocrinol. Metab. 2006 Mar; 91(3):827-36; Piccini V et al. Endocr. Relat. Cancer. 2012 Apr; 19(2):149-55; Casc&oacute;n A et al. J. Clin. Endocrinol. Metab. 2009 May; 94(5):1701-5; Taschner PE et al. Genes Chromosomes Cancer. 2001 Jul; 31(3):274-81; Andrews KA et al. J. Med. Genet. 2018 Jun;55:384-394). A study including somatic and germline DNA analyses, cosegregation analyses, enzyme function studies and gene expression studies concluded that this mutation is associated with a complete loss of mitochondrial complex II activity and a high expression of angiogenic factors (Gimenez-Roqueplo AP et al. Am. J. Hum. Genet. 2001 Dec; 69(6):1186-97). This variant is considered to be rare based on population cohorts in the Genome Aggregation Database (gnomAD). In addition to the clinical data presented in the literature, this alteration is expected to result in loss of function by premature protein truncation or nonsense-mediated mRNA decay. As such, this alteration is interpreted as a disease-causing mutation.

Genetics and Molecular Pathology, SA Pathology
Classification: Pathogenic for Pheochromocytoma/paraganglioma syndrome 1. Last evaluated: 2022-04-21. Review status: criteria provided, single submitter. Criteria: ACMG Guidelines, 2015. Collection method: clinical testing. Allele origin: germline. Inheritance: Autosomal dominant inheritance. Affected: yes.

GeneDx
Classification: Pathogenic. Last evaluated: 2017-02-22. Review status: criteria provided, single submitter. Criteria: GeneDx Variant Classification (06012015). Collection method: clinical testing. Allele origin: germline. Affected: yes.
Comment: This variant is denoted SDHD c.64C>T at the cDNA level and p.Arg22Ter (R22X) at the protein level. The substitution creates a nonsense variant, which changes an Arginine to a premature stop codon (CGA>TGA), and is predicted to cause loss of normal protein function through either protein truncation or nonsense-mediated mRNA decay. This variant has been reported in multiple individuals and families with hereditary paraganglioma/pheochromocytoma (Gimenez-Roqueplo 2001, Taschner 2001, Amar 2005, Lefebvre 2012, Piccini 2012) and is considered pathogenic.

Genetic Services Laboratory, University of Chicago
Classification: Pathogenic for Pheochromocytoma. Last evaluated: 2014-01-23. Review status: criteria provided, single submitter. Criteria: ACMG Guidelines, 2007. Collection method: clinical testing. Allele origin: germline. Affected: yes.

OMIM
Classification: Pathogenic for PHEOCHROMOCYTOMA/PARAGANGLIOMA SYNDROME 1. Last evaluated: 2001-12-01. Review status: no assertion criteria provided. Collection method: literature only. Allele origin: germline. Not counted in ClinVar's aggregate classification.

Literature cited by the submitters: PubMed 19454582 (cited by Labcorp Genetics (formerly Invitae), Labcorp); PubMed 19802898 (cited by Labcorp Genetics (formerly Invitae), Labcorp); PubMed 11391798 (cited by 3 submitters); PubMed 11605159 (cited by 4 submitters); PubMed 16317055 (cited by 3 submitters); PubMed 19258401 (cited by Labcorp Genetics (formerly Invitae), Labcorp and Ambry Genetics); PubMed 21348866 (cited by Labcorp Genetics (formerly Invitae), Labcorp and All of Us Research Program, National Institutes of Health); PubMed 22241717 (cited by 3 submitters); PubMed 22517554 (cited by Labcorp Genetics (formerly Invitae), Labcorp); PubMed 10657297 (cited by All of Us Research Program, National Institutes of Health); PubMed 11343322 (cited by All of Us Research Program, National Institutes of Health); PubMed 12111639 (cited by All of Us Research Program, National Institutes of Health); PubMed 30050099 (cited by All of Us Research Program, National Institutes of Health); PubMed 32035780 (cited by All of Us Research Program, National Institutes of Health); PubMed 16314641 (cited by Ambry Genetics); PubMed 29386252 (cited by Ambry Genetics); PubMed 10846047 (cited by OMIM).

NM_003002.4(SDHD):c.64C>T (p.Arg22Ter)

Gene: SDHD (succinate dehydrogenase complex subunit D; plus strand). Cytogenetic location: 11q23.1.
Variant type: single nucleotide variant.
Coding change: c.64C>T on transcript NM_003002.4 (MANE Select); coding-DNA position 64, C replaced by T.
Protein change: p.Arg22Ter; replaces arginine 22 with a stop codon.
Molecular consequence: nonsense. On other transcripts: non-coding transcript variant (1), intron variant (1).
Genome position (GRCh38, 1-based): chr11:112,087,868, C>T. VCF-style: chr11-112087868-C-T. GRCh37 (hg19) VCF-style: chr11-111958592-C-T.
Other names: c.64C>T, p.Arg22Ter (NM_001276503.2, NM_001276506.2); c.52+909C>T (NM_001276504.2); short protein forms R22*.
Identifiers: ClinVar variation 6903 (VCV000006903.27), dbSNP rs104894306, ClinGen allele CA016739.